The following is an entry in ClinVar:

ClinVar aggregate classification (germline): Uncertain significance. Review status: criteria provided, single submitter (1 of 4 stars). 2 submissions from 2 submitters: Uncertain significance (1). 1 of the submissions does not count toward it. Last evaluated 2023-08-24.

Conditions:
Neu-Laxova syndrome 2. Identifiers: Orphanet 2671, Orphanet 583602, MedGen C4015019, MONDO:0014466, OMIM 616038.

Allele frequency attached by ClinVar (database versions not stated): gnomAD exomes below 0.00001; ExAC 0.00002; ESP Exome Variant Server 0.00008.

Submissions (2):

Labcorp Genetics (formerly Invitae), Labcorp
Classification: Uncertain significance for Neu-Laxova syndrome 2. Last evaluated: 2023-08-24. Review status: criteria provided, single submitter. Criteria: Invitae Variant Classification Sherloc (09022015). Collection method: clinical testing. Allele origin: germline.
Comment: In summary, the available evidence is currently insufficient to determine the role of this variant in disease. Therefore, it has been classified as a Variant of Uncertain Significance. Experimental studies have shown that this missense change does not substantially affect PSAT1 function (PMID: 32077105). Advanced modeling of protein sequence and biophysical properties (such as structural, functional, and spatial information, amino acid conservation, physicochemical variation, residue mobility, and thermodynamic stability) performed at Invitae indicates that this missense variant is not expected to disrupt PSAT1 protein function. ClinVar contains an entry for this variant (Variation ID: 977037). This variant has not been reported in the literature in individuals affected with PSAT1-related conditions. This variant is present in population databases (rs368015309, gnomAD 0.006%). This sequence change replaces glycine, which is neutral and non-polar, with glutamic acid, which is acidic and polar, at codon 129 of the PSAT1 protein (p.Gly129Glu).

Dudley Research Group, Pacific Northwest Research Institute
No classification provided. Review status: no classification provided. Collection method: research, in vivo. Allele origin: unknown, not applicable. Functional consequence: function_uncertain_variant. Not counted in ClinVar's aggregate classification.

Literature cited by the submitters: PubMed 32077105 (cited by Labcorp Genetics (formerly Invitae), Labcorp).

NM_058179.4(PSAT1):c.386G>A (p.Gly129Glu)

Gene: PSAT1 (phosphoserine aminotransferase 1; plus strand). Cytogenetic location: 9q21.2.
Variant type: single nucleotide variant.
Coding change: c.386G>A on transcript NM_058179.4 (MANE Select); coding-DNA position 386, G replaced by A.
Protein change: p.Gly129Glu; replaces glycine 129 with glutamic acid.
Molecular consequence: missense variant.
Genome position (GRCh38, 1-based): chr9:78,304,929, G>A. VCF-style: chr9-78304929-G-A. GRCh37 (hg19) VCF-style: chr9-80919845-G-A.
Other names: c.386G>A, p.Gly129Glu (NM_021154.5); short protein forms G129E.
Identifiers: ClinVar variation 977037 (VCV000977037.7), dbSNP rs368015309, ClinGen allele CA5095595.